The following is an entry in ClinVar:

NM_001308147.2(PLEKHG3):c.273C>T (p.Leu91=)

Gene: PLEKHG3 (pleckstrin homology and RhoGEF domain containing G3; plus strand). Cytogenetic location: 14q23.3.
Variant type: single nucleotide variant.
Coding change: c.273C>T on transcript NM_001308147.2 (MANE Select); coding-DNA position 273, C replaced by T.
Protein change: p.Leu91=; no amino-acid change (leucine 91 retained).
Molecular consequence: synonymous variant.
Genome position (GRCh38, 1-based): chr14:64,727,904, C>T. VCF-style: chr14-64727904-C-T. GRCh37 (hg19) VCF-style: chr14-65194622-C-T.
Identifiers: ClinVar variation 2644315 (VCV002644315.24), dbSNP rs2502908013, ClinGen allele CA486965710.
Genomic context (GRCh38, chr14:64,727,904, plus strand): 5'-GAAGGGGCCCCTCTCCCCGTTCAACAGCCGGGCAGCGGCAGGGCCTGCACACCACAAGCT[C>T]AGCTACCTGGGCCGAGTGGTGCGGGAGATCGTGGAGACAGAGCGCATGTACGTACAGGAC-3'
Protein context (NP_001295076.1, residues 81-101): RAAAGPAHHK[Leu91=]SYLGRVVREI

ClinVar aggregate classification (germline): Likely benign (1 of 4 stars; one submission).

Submission:

CeGaT Center for Human Genetics Tuebingen
Classification: Likely benign. Last evaluated: 2023-02-01. Review status: criteria provided, single submitter. Criteria: CeGaT Center For Human Genetics Tuebingen Variant Classification Criteria Version 2. Collection method: clinical testing. Allele origin: germline. Affected: yes. Observed: 1 variant allele.
Comment: PLEKHG3: PM2:Supporting, BP4, BP7